The following is an entry in ClinVar:

ClinVar aggregate classification (germline): Benign/Likely benign. Review status: criteria provided, multiple submitters, no conflicts (2 of 4 stars). 3 submissions from 3 submitters: Benign (1); Likely benign (1). 1 of the submissions does not count toward it. Last evaluated 2025-02-16.

Conditions:
PKD1-related disorder. Also called: PKD1-related condition.
Polycystic kidney disease, adult type (PKD1). Also called: POLYCYSTIC KIDNEY DISEASE 1 WITH OR WITHOUT POLYCYSTIC LIVER DISEASE; POLYCYSTIC KIDNEY DISEASE, ADULT, TYPE I; Polycystic Kidney, Autosomal Dominant; Polycystic Kidney Disease 1, Autosomal Dominant; Polycystic kidney disease 1; Polycystic kidney disease 1, severe. Identifiers: MedGen C3149841, MONDO:0008263, OMIM 173900.

Allele frequency attached by ClinVar (database versions not stated): gnomAD 0.00003; ExAC 0.00005; TOPMed 0.00006; ESP Exome Variant Server 0.00008; 1000 Genomes Project 0.00040; 1000 Genomes Project 30x 0.00062.
gnomAD v4.1: 101 of 1,602,192 alleles (0.0063%); highest among the groups gnomAD compares: Admixed American, 0.027%; no homozygotes.

Submissions (3):

Laboratory of Genetics, Children's Clinical University Hospital Latvia
Classification: Likely benign. Last evaluated: 2025-02-16. Review status: criteria provided, single submitter. Criteria: ACMG Guidelines, 2015. Collection method: clinical testing. Allele origin: germline. Affected: yes.

ARUP Laboratories, Molecular Genetics and Genomics, ARUP Laboratories
Classification: Benign for Polycystic kidney disease, adult type. Last evaluated: 2018-09-22. Review status: criteria provided, single submitter. Criteria: ARUP Molecular Germline Variant Investigation Process. Collection method: clinical testing. Allele origin: germline.

PreventionGenetics, part of Exact Sciences
Classification: Likely benign for PKD1-related condition. Last evaluated: 2022-09-06. Review status: no assertion criteria provided. Collection method: clinical testing. Allele origin: germline. Not counted in ClinVar's aggregate classification.
Comment: This variant is classified as likely benign based on ACMG/AMP sequence variant interpretation guidelines (Richards et al. 2015 PMID: 25741868, with internal and published modifications).

NM_001009944.3(PKD1):c.10239C>T (p.Ser3413=)

Gene: PKD1 (polycystin 1, transient receptor potential channel interacting; minus strand). Cytogenetic location: 16p13.3.
Variant type: single nucleotide variant.
Coding change: c.10239C>T on transcript NM_001009944.3 (MANE Select); coding-DNA position 10239, C replaced by T.
Protein change: p.Ser3413=; no amino-acid change (serine 3413 retained).
Molecular consequence: synonymous variant.
Genome position (GRCh38, 1-based): chr16:2,097,485, G>A on the plus strand (C>T on the coding strand, the complement: PKD1 is on the minus strand). VCF-style: chr16-2097485-G-A. GRCh37 (hg19) VCF-style: chr16-2147486-G-A.
Other names: c.10239C>T (NM_001009944.2); c.10236C>T, p.Ser3412= (NM_000296.4).
Identifiers: ClinVar variation 811781 (VCV000811781.11), dbSNP rs150310430, ClinGen allele CA7829688.